The following is an entry in ClinVar:

NM_000426.4(LAMA2):c.5980C>A (p.His1994Asn)

Gene: LAMA2 (laminin subunit alpha 2; plus strand). Cytogenetic location: 6q22.33.
Variant type: single nucleotide variant.
Coding change: c.5980C>A on transcript NM_000426.4 (MANE Select); coding-DNA position 5980, C replaced by A.
Protein change: p.His1994Asn; replaces histidine 1994 with asparagine.
Molecular consequence: missense variant.
Genome position (GRCh38, 1-based): chr6:129,438,657, C>A. VCF-style: chr6-129438657-C-A. GRCh37 (hg19) VCF-style: chr6-129759802-C-A.
Other names: c.5980C>A (NM_000426.3); c.5980C>A, p.His1994Asn (NM_001079823.2); short protein forms H1994N.
Identifiers: ClinVar variation 1468635 (VCV001468635.7), dbSNP rs186382094, ClinGen allele CA3994074.

ClinVar aggregate classification (germline): Uncertain significance. Review status: criteria provided, multiple submitters, no conflicts (2 of 4 stars). 3 submissions from 3 submitters: Uncertain significance (3). Last evaluated 2025-07-14.

Conditions:
Inborn genetic diseases. Identifiers: MedGen C0950123, MeSH D030342.
LAMA2-related muscular dystrophy (LAMA2-RD). Also called: Laminin alpha 2-related dystrophy. Identifiers: MedGen C5679788, MONDO:0100228.

Allele frequency attached by ClinVar (database versions not stated): gnomAD exomes 0.00002; TOPMed 0.00002; ExAC 0.00003; gnomAD 0.00003; ESP Exome Variant Server 0.00008; 1000 Genomes Project 30x 0.00016; 1000 Genomes Project 0.00020.
gnomAD v4.1: 36 of 1,572,954 alleles (0.0023%); highest among the groups gnomAD compares: Non-Finnish European, 0.003%; no homozygotes.

Submissions (3):

Ambry Genetics
Classification: Uncertain significance for Inborn genetic diseases. Last evaluated: 2025-07-14. Review status: criteria provided, single submitter. Criteria: Ambry Variant Classification Scheme 2023. Collection method: clinical testing. Allele origin: germline.

Labcorp Genetics (formerly Invitae), Labcorp
Classification: Uncertain significance for LAMA2-related muscular dystrophy. Last evaluated: 2022-03-18. Review status: criteria provided, single submitter. Criteria: Invitae Variant Classification Sherloc (09022015). Collection method: clinical testing. Allele origin: germline.
Comment: This sequence change replaces histidine, which is basic and polar, with asparagine, which is neutral and polar, at codon 1994 of the LAMA2 protein (p.His1994Asn). This variant is present in population databases (rs186382094, gnomAD 0.003%). This variant has not been reported in the literature in individuals affected with LAMA2-related conditions. Advanced modeling of protein sequence and biophysical properties (such as structural, functional, and spatial information, amino acid conservation, physicochemical variation, residue mobility, and thermodynamic stability) performed at Invitae indicates that this missense variant is not expected to disrupt LAMA2 protein function. In summary, the available evidence is currently insufficient to determine the role of this variant in disease. Therefore, it has been classified as a Variant of Uncertain Significance.

Blueprint Genetics
Classification: Uncertain significance. Last evaluated: 2021-01-18. Review status: criteria provided, single submitter. Criteria: ACMG Guidelines, 2015. Collection method: clinical testing. Allele origin: germline.